The following is an entry in ClinVar:

NM_005502.4(ABCA1):c.1649A>T (p.His550Leu)

Gene: ABCA1 (ATP binding cassette subfamily A member 1; minus strand). Cytogenetic location: 9q31.1.
Variant type: single nucleotide variant.
Coding change: c.1649A>T on transcript NM_005502.4 (MANE Select); coding-DNA position 1649, A replaced by T.
Protein change: p.His550Leu; replaces histidine 550 with leucine.
Molecular consequence: missense variant.
Genome position (GRCh38, 1-based): chr9:104,831,688, T>A on the plus strand (A>T on the coding strand, the complement: ABCA1 is on the minus strand). VCF-style: chr9-104831688-T-A. GRCh37 (hg19) VCF-style: chr9-107593969-T-A.
Other names: short protein forms H550L.
Identifiers: ClinVar variation 1777205 (VCV001777205.6), dbSNP rs1248100757, ClinGen allele CA374324717.

ClinVar aggregate classification (germline): Uncertain significance. Review status: criteria provided, multiple submitters, no conflicts (2 of 4 stars). 2 submissions from 2 submitters: Uncertain significance (2). Last evaluated 2025-05-03.

Conditions:
Cardiovascular phenotype. Identifiers: MedGen CN230736.

Allele frequency attached by ClinVar (database versions not stated): gnomAD exomes below 0.00001; gnomAD 0.00001; TOPMed 0.00001.
gnomAD v4.1: 8 of 1,614,092 alleles (0.0005%); highest among the groups gnomAD compares: East Asian, 0.0022%; no homozygotes.

Submissions (2):

Ambry Genetics
Classification: Uncertain significance for Cardiovascular phenotype. Last evaluated: 2025-05-03. Review status: criteria provided, single submitter. Criteria: Ambry Variant Classification Scheme 2023. Collection method: clinical testing. Allele origin: germline.
Comment: The p.H550L variant (also known as c.1649A>T), located in coding exon 12 of the ABCA1 gene, results from an A to T substitution at nucleotide position 1649. The histidine at codon 550 is replaced by leucine, an amino acid with similar properties. This amino acid position is conserved. In addition, this alteration is predicted to be tolerated by in silico analysis. Since supporting evidence is limited at this time, the clinical significance of this alteration remains unclear.

Labcorp Genetics (formerly Invitae), Labcorp
Classification: Uncertain significance. Last evaluated: 2023-01-06. Review status: criteria provided, single submitter. Criteria: Invitae Variant Classification Sherloc (09022015). Collection method: clinical testing. Allele origin: germline.
Comment: This variant is present in population databases (no rsID available, gnomAD 0.006%). This sequence change replaces histidine, which is basic and polar, with leucine, which is neutral and non-polar, at codon 550 of the ABCA1 protein (p.His550Leu). This variant has not been reported in the literature in individuals affected with ABCA1-related conditions. In summary, the available evidence is currently insufficient to determine the role of this variant in disease. Therefore, it has been classified as a Variant of Uncertain Significance. Advanced modeling of protein sequence and biophysical properties (such as structural, functional, and spatial information, amino acid conservation, physicochemical variation, residue mobility, and thermodynamic stability) performed at Invitae indicates that this missense variant is not expected to disrupt ABCA1 protein function. ClinVar contains an entry for this variant (Variation ID: 1777205).